The following is an entry in ClinVar:

ClinVar aggregate classification (germline): Conflicting classifications of pathogenicity. Review status: criteria provided, conflicting classifications (1 of 4 stars). 3 submissions from 3 submitters: Uncertain significance (1); Benign (1). 1 of the submissions does not count toward it. Last evaluated 2025-06-24.

Allele frequency attached by ClinVar (database versions not stated): gnomAD exomes 0.00007; TOPMed 0.00007; gnomAD 0.00012.
gnomAD v4.1: 117 of 1,550,198 alleles (0.0075%); highest among the groups gnomAD compares: Middle Eastern, 0.083%; 1 homozygote.

Submissions (3):

Labcorp Genetics (formerly Invitae), Labcorp
Classification: Benign. Last evaluated: 2025-06-24. Review status: criteria provided, single submitter. Criteria: Invitae Variant Classification Sherloc (09022015). Collection method: clinical testing. Allele origin: germline.

GeneDx
Classification: Uncertain significance. Last evaluated: 2019-09-06. Review status: criteria provided, single submitter. Criteria: GeneDx Variant Classification Process June 2021. Collection method: clinical testing. Allele origin: germline. Affected: yes.
Comment: Has not been previously published as pathogenic or benign to our knowledge; In silico analysis, which includes protein predictors and evolutionary conservation, supports that this variant does not alter protein structure/function

Department of Pathology and Laboratory Medicine, Sinai Health System
Classification: Uncertain significance. Review status: no assertion criteria provided. Collection method: clinical testing. Allele origin: unknown. Affected: yes. Study: The Canadian Open Genetics Repository (COGR). Not counted in ClinVar's aggregate classification.
Comment: The PIEZO1 p.R657H variant was not identified in the literature nor was it identified in ClinVar. The variant was identified in dbSNP (ID: rs770023621) and in control databases in 16 of 186866 chromosomes at a frequency of 0.00008562, and was observed at the highest allele count in the European (non-Finnish) population in 11 of 75434 chromosomes (freq: 0.0001458) (Genome Aggregation Database March 6, 2019, v2.1.1). The p.R657 residue is conserved in mammals but not in more distantly related organisms, and computational analyses (MUT Assesor, PolyPhen-2, SIFT, MutationTaster, Revel, FATHMM, MetaLR, DANN) do not suggest a high likelihood of impact to the protein; however this information is not predictive enough to rule out pathogenicity. The variant occurs outside of the splicing consensus sequence and in silico or computational prediction software programs (Splice AI exome) do not predict a difference in splicing. In summary, based on the above information the clinical significance of this variant cannot be determined with certainty at this time. This variant is classified as a variant of uncertain significance.

NM_001142864.4(PIEZO1):c.1970G>A (p.Arg657His)

Genes: HSALR1 (HSP90AB1 associated lncRNA 1; plus strand), PIEZO1 (piezo type mechanosensitive ion channel component 1 (Er blood group); minus strand). Cytogenetic location: 16q24.3.
Variant type: single nucleotide variant.
Coding change: c.1970G>A on transcript NM_001142864.4 (MANE Select); coding-DNA position 1970, G replaced by A.
Protein change: p.Arg657His; replaces arginine 657 with histidine.
Molecular consequence: missense variant.
Genome position (GRCh38, 1-based): chr16:88,734,677, C>T on the plus strand (G>A on the coding strand, the complement: PIEZO1 is on the minus strand). VCF-style: chr16-88734677-C-T. GRCh37 (hg19) VCF-style: chr16-88801085-C-T.
Other names: short protein forms R657H.
Identifiers: ClinVar variation 1049686 (VCV001049686.4), dbSNP rs770023621, ClinGen allele CA286424496.